The following is an entry in ClinVar:

NM_000459.5(TEK):c.1921C>T (p.Gln641Ter)

Gene: TEK (TEK receptor tyrosine kinase; plus strand). Cytogenetic location: 9p21.2.
Variant type: single nucleotide variant.
Coding change: c.1921C>T on transcript NM_000459.5 (MANE Select); coding-DNA position 1921, C replaced by T.
Protein change: p.Gln641Ter; replaces glutamine 641 with a stop codon.
Molecular consequence: nonsense.
Genome position (GRCh38, 1-based): chr9:27,202,831, C>T. VCF-style: chr9-27202831-C-T. GRCh37 (hg19) VCF-style: chr9-27202829-C-T.
Other names: c.1792C>T, p.Gln598Ter (NM_001290077.2, NM_001375476.1); c.1480C>T, p.Gln494Ter (NM_001290078.2); c.1921C>T, p.Gln641Ter (NM_001375475.1); short protein forms Q494*, Q598*, Q641*.
Identifiers: ClinVar variation 1695245 (VCV001695245.31), dbSNP rs2131207174, ClinGen allele CA373114932.
Genomic context (GRCh38, chr9:27,202,831, plus strand): 5'-GGCCATGGTAGTATATCTTAAGTGAATCTTTTTTCTTTTTAATTTCTAGTTCTTCCTCCT[C>T]AACCAGAAAACATCAAGATTTCCAACATTACACACTCCTCAGCTGTGATTTCTTGGACAA-3'

ClinVar aggregate classification (germline): Likely pathogenic (1 of 4 stars; one submission).

Submission:

CeGaT Center for Human Genetics Tuebingen
Classification: Likely pathogenic. Last evaluated: 2022-05-01. Review status: criteria provided, single submitter. Criteria: CeGaT Center For Human Genetics Tuebingen Variant Classification Criteria Version 2. Collection method: clinical testing. Allele origin: germline. Affected: yes. Observed: 1 variant allele.
Comment: TEK: PVS1:Strong, PM2